The following is an entry in ClinVar:

NM_006648.4(WNK2):c.397G>C (p.Val133Leu)

Gene: WNK2 (WNK lysine deficient protein kinase 2; plus strand). Cytogenetic location: 9q22.31.
Variant type: single nucleotide variant.
Coding change: c.397G>C on transcript NM_006648.4 (MANE Select); coding-DNA position 397, G replaced by C.
Protein change: p.Val133Leu; replaces valine 133 with leucine.
Molecular consequence: missense variant.
Genome position (GRCh38, 1-based): chr9:93,185,326, G>C. VCF-style: chr9-93185326-G-C. GRCh37 (hg19) VCF-style: chr9-95947608-G-C.
Other names: c.397G>C, p.Val133Leu (NM_001282394.3); short protein forms V133L.
Identifiers: ClinVar variation 3470068 (VCV003470068.1).

ClinVar aggregate classification (germline): Uncertain significance (1 of 4 stars; one submission).

gnomAD v4.1: 414 of 1,526,602 alleles (0.027%); highest among the groups gnomAD compares: Non-Finnish European, 0.035%; 1 homozygote.

Submission:

Ambry Genetics
Classification: Uncertain significance. Last evaluated: 2024-10-04. Review status: criteria provided, single submitter. Criteria: Ambry Variant Classification Scheme 2023. Collection method: clinical testing. Allele origin: germline.
Comment: The p.V133L variant (also known as c.397G>C), located in coding exon 1 of the WNK2 gene, results from a G to C substitution at nucleotide position 397. The valine at codon 133 is replaced by leucine, an amino acid with highly similar properties. This amino acid position is conserved. In addition, this alteration is predicted to be tolerated by in silico analysis. Based on the available evidence, the clinical significance of this variant remains unclear.